The following is an entry in ClinVar:

NM_012254.3(SLC27A5):c.262C>T (p.Pro88Ser)

Gene: SLC27A5 (solute carrier family 27 member 5; minus strand). Cytogenetic location: 19q13.43.
Variant type: single nucleotide variant.
Coding change: c.262C>T on transcript NM_012254.3 (MANE Select); coding-DNA position 262, C replaced by T.
Protein change: p.Pro88Ser; replaces proline 88 with serine.
Molecular consequence: missense variant.
Genome position (GRCh38, 1-based): chr19:58,511,694, G>A on the plus strand (C>T on the coding strand, the complement: SLC27A5 is on the minus strand). VCF-style: chr19-58511694-G-A. GRCh37 (hg19) VCF-style: chr19-59023061-G-A.
Other names: c.262C>T, p.Pro88Ser (NM_001321196.2); short protein forms P88S.
Identifiers: ClinVar variation 4989739 (VCV004989739.1).
Genomic context (GRCh38, chr19:58,511,694, plus strand): 5'-AGCATCCCCTGATCTTCAGGCCCAGGTGGAGGATCTTGGCCAAGAAGATCACATCAGCCG[G>A]CAGCCAGCGTAGTCCTGGGGGCAGCCGTGCTGGCAGGAGGGTTAGTGCCAGGGCCGCAGC-3'
Protein context (NP_036386.1, residues 78-98): ARLPPGLRWL[Pro88Ser]ADVIFLAKIL

ClinVar aggregate classification (germline): Uncertain significance (1 of 4 stars; one submission).

Conditions:
SLC27A5-related disorder. Also called: SLC27A5-related condition.

Submission:

PreventionGenetics, part of Exact Sciences
Classification: Uncertain significance for SLC27A5-related condition. Last evaluated: 2025-05-28. Review status: criteria provided, single submitter. Criteria: ACMG Guidelines, 2015. Collection method: clinical testing. Allele origin: germline.
Comment: The SLC27A5 c.262C>T variant is predicted to result in the amino acid substitution p.Pro88Ser. To our knowledge, this variant has not been reported in the literature. This variant is reported in 0.0% of alleles in individuals of African descent in gnomAD. At this time, the clinical significance of this variant is uncertain due to the absence of conclusive functional and genetic evidence.